The following is an entry in ClinVar:

ClinVar aggregate classification (germline): Likely benign (1 of 4 stars; one submission).

gnomAD v4.1: 555 of 1,614,216 alleles (0.034%); highest among the groups gnomAD compares: Non-Finnish European, 0.045%; no homozygotes.

Submission:

CeGaT Center for Human Genetics Tuebingen
Classification: Likely benign. Last evaluated: 2026-08-01. Review status: criteria provided, single submitter. Criteria: CeGaT Center For Human Genetics Tuebingen Variant Classification Criteria Version 2. Collection method: clinical testing. Allele origin: germline. Affected: yes. Observed: 4 variant alleles.
Comment: SPEN: BP4, BS2

NM_015001.3(SPEN):c.5758G>A (p.Val1920Ile)

Gene: SPEN (spen family transcriptional repressor; plus strand). Cytogenetic location: 1p36.13.
Variant type: single nucleotide variant.
Coding change: c.5758G>A on transcript NM_015001.3 (MANE Select); coding-DNA position 5758, G replaced by A.
Protein change: p.Val1920Ile; replaces valine 1920 with isoleucine.
Molecular consequence: missense variant.
Genome position (GRCh38, 1-based): chr1:15,931,998, G>A. VCF-style: chr1-15931998-G-A. GRCh37 (hg19) VCF-style: chr1-16258493-G-A.
Other names: short protein forms V1920I.
Identifiers: ClinVar variation 4821017 (VCV004821017.4).